The following is an entry in ClinVar:

NM_003183.6(ADAM17):c.2195C>T (p.Ala732Val)

Genes: ADAM17 (ADAM metallopeptidase domain 17; minus strand), IAH1 (isoamyl acetate hydrolyzing esterase 1 (putative); plus strand). Cytogenetic location: 2p25.1.
Variant type: single nucleotide variant.
Coding change: c.2195C>T on transcript NM_003183.6 (MANE Select); coding-DNA position 2195, C replaced by T.
Protein change: p.Ala732Val; replaces alanine 732 with valine.
Molecular consequence: missense variant.
Genome position (GRCh38, 1-based): chr2:9,490,457, G>A on the plus strand (C>T on the coding strand, the complement: ADAM17 is on the minus strand). VCF-style: chr2-9490457-G-A. GRCh37 (hg19) VCF-style: chr2-9630586-G-A.
Other names: c.1535C>T, p.Ala512Val (NM_001382777.1); c.1298C>T, p.Ala433Val (NM_001382778.1); short protein forms A433V, A732V, A512V.
Identifiers: ClinVar variation 1470870 (VCV001470870.6), dbSNP rs181463078, ClinGen allele CA1523271.

ClinVar aggregate classification (germline): Uncertain significance (1 of 4 stars; one submission).

Conditions:
Inflammatory skin and bowel disease, neonatal, 1. Identifiers: Orphanet 294023, MedGen C3280501, MONDO:0013693, OMIM 614328.

Allele frequency attached by ClinVar (database versions not stated): TOPMed below 0.00001; ExAC 0.00001; gnomAD 0.00001; gnomAD exomes 0.00001; 1000 Genomes Project 30x 0.00016; 1000 Genomes Project 0.00020.
gnomAD v4.1: 31 of 1,614,028 alleles (0.0019%); highest among the groups gnomAD compares: East Asian, 0.0067%; no homozygotes.

Submission:

Labcorp Genetics (formerly Invitae), Labcorp
Classification: Uncertain significance for Inflammatory skin and bowel disease, neonatal, 1. Last evaluated: 2020-10-30. Review status: criteria provided, single submitter. Criteria: Invitae Variant Classification Sherloc (09022015). Collection method: clinical testing. Allele origin: germline.
Comment: In summary, the available evidence is currently insufficient to determine the role of this variant in disease. Therefore, it has been classified as a Variant of Uncertain Significance. Algorithms developed to predict the effect of missense changes on protein structure and function output the following: SIFT: "Not Available"; PolyPhen-2: "Benign"; Align-GVGD: "Not Available". The valine amino acid residue is found in multiple mammalian species, suggesting that this missense change does not adversely affect protein function. These predictions have not been confirmed by published functional studies and their clinical significance is uncertain. This sequence change replaces alanine with valine at codon 732 of the ADAM17 protein (p.Ala732Val). The alanine residue is moderately conserved and there is a small physicochemical difference between alanine and valine. This variant is present in population databases (rs181463078, ExAC 0.009%). This variant has not been reported in the literature in individuals with ADAM17-related conditions.